The following is an entry in ClinVar:

ClinVar aggregate classification (germline): Uncertain significance (1 of 4 stars; one submission).

Conditions:
Cardiovascular phenotype. Identifiers: MedGen CN230736.

Allele frequency attached by ClinVar (database versions not stated): TOPMed below 0.00001; gnomAD 0.00001.

Submission:

Ambry Genetics
Classification: Uncertain significance for Cardiovascular phenotype. Last evaluated: 2023-05-04. Review status: criteria provided, single submitter. Criteria: Ambry Variant Classification Scheme 2023. Collection method: clinical testing. Allele origin: germline.
Comment: The p.F377S variant (also known as c.1130T>C), located in coding exon 9 of the SCN10A gene, results from a T to C substitution at nucleotide position 1130. The phenylalanine at codon 377 is replaced by serine, an amino acid with highly dissimilar properties. This amino acid position is highly conserved in available vertebrate species. In addition, this alteration is predicted to be deleterious by in silico analysis. The evidence for this gene-disease relationship is limited; therefore, the clinical significance of this alteration is unclear.

NM_006514.4(SCN10A):c.1130T>C (p.Phe377Ser)

Gene: SCN10A (sodium voltage-gated channel alpha subunit 10; minus strand). Cytogenetic location: 3p22.2.
Variant type: single nucleotide variant.
Coding change: c.1130T>C on transcript NM_006514.4 (MANE Select); coding-DNA position 1130, T replaced by C.
Protein change: p.Phe377Ser; replaces phenylalanine 377 with serine.
Molecular consequence: missense variant.
Genome position (GRCh38, 1-based): chr3:38,756,834, A>G on the plus strand (T>C on the coding strand, the complement: SCN10A is on the minus strand). VCF-style: chr3-38756834-A-G. GRCh37 (hg19) VCF-style: chr3-38798325-A-G.
Other names: c.1130T>C, p.Phe377Ser (NM_001293306.2, NM_001293307.2); short protein forms F377S.
Identifiers: ClinVar variation 2563707 (VCV002563707.2), dbSNP rs1295265728, ClinGen allele CA352169903.